The following is an entry in ClinVar:

NM_002637.4(PHKA1):c.3298-2A>T

Gene: PHKA1 (phosphorylase kinase regulatory subunit alpha 1; minus strand). Cytogenetic location: Xq13.1.
Variant type: single nucleotide variant.
Coding change: c.3298-2A>T on transcript NM_002637.4 (MANE Select); the canonical splice acceptor site of the intron before coding-DNA position 3298, A replaced by T.
Molecular consequence: splice acceptor variant.
Genome position (GRCh38, 1-based): chrX:72,582,600, T>A on the plus strand (A>T on the coding strand, the complement: PHKA1 is on the minus strand). VCF-style: chrX-72582600-T-A. GRCh37 (hg19) VCF-style: chrX-71802450-T-A.
Other names: NC_000023.10:g.71802450T>A; c.3082-2A>T (NM_001440788.1, NM_001172436.2); c.3259-2A>T (NM_001440787.1, NM_001122670.2); c.3349-2A>T (NM_001431068.1).
Identifiers: ClinVar variation 4497721 (VCV004497721.2).

ClinVar aggregate classification (germline): Likely pathogenic (1 of 4 stars; one submission).

Conditions:
Glycogen storage disease IXd (GSD9D). Also called: GSD IXd; Muscle Phosphorylase Kinase Deficiency. Identifiers: Orphanet 715, MedGen C1845151, MONDO:0010362, OMIM 300559.

gnomAD v4.1: 1 of 1,152,265 alleles (0.000087%); highest among the groups gnomAD compares: Admixed American, 0.0022%; no homozygotes.

Submissions (3):

Labcorp Genetics (formerly Invitae), Labcorp
Classification: Likely pathogenic for Glycogen storage disease IXd. Last evaluated: 2025-09-10. Review status: criteria provided, single submitter. Criteria: Invitae Variant Classification Sherloc (09022015). Collection method: clinical testing. Allele origin: germline.
Comment: This sequence change affects an acceptor splice site in intron 30 of the PHKA1 gene. It is expected to disrupt RNA splicing. Variants that disrupt the donor or acceptor splice site typically lead to a loss of protein function (PMID: 16199547), and loss-of-function variants in PHKA1 are known to be pathogenic (PMID: 9731190, 15637709). This variant is not present in population databases (gnomAD no frequency). This variant has not been reported in the literature in individuals affected with PHKA1-related conditions. Algorithms developed to predict the effect of sequence changes on RNA splicing suggest that this variant may disrupt the consensus splice site. In summary, the currently available evidence indicates that the variant is pathogenic, but additional data are needed to prove that conclusively. Therefore, this variant has been classified as Likely Pathogenic.

Dr. Peter K. Rogan Lab, Western University
No classification provided (evidence only). Condition: Nonpapillary renal cell carcinoma. Review status: no classification provided. Collection method: in vitro. Allele origin: not applicable. Functional consequence: skipped exon. Not counted in ClinVar's aggregate classification.

Dr. Peter K. Rogan Lab, Western University
No classification provided (evidence only). Condition: Nonpapillary renal cell carcinoma. Review status: no classification provided. Collection method: in vitro. Allele origin: not applicable. Functional consequence: retained intron. Not counted in ClinVar's aggregate classification.

Literature cited by the submitters: PubMed 16199547 (cited by Labcorp Genetics (formerly Invitae), Labcorp); PubMed 9731190 (cited by Labcorp Genetics (formerly Invitae), Labcorp); PubMed 15637709 (cited by Labcorp Genetics (formerly Invitae), Labcorp).